The following is an entry in ClinVar:

ClinVar aggregate classification (germline): Benign/Likely benign. Review status: criteria provided, multiple submitters, no conflicts (2 of 4 stars). 3 submissions from 3 submitters: Benign (1); Likely benign (2). Last evaluated 2025-09-27.

Conditions:
Hereditary cancer-predisposing syndrome. Also called: Hereditary neoplastic syndrome; Hereditary Cancer Syndrome; Neoplastic Syndromes, Hereditary; Tumor predisposition. Identifiers: Orphanet 140162, MedGen C0027672, MeSH D009386, MONDO:0015356.
Oligodontia-cancer predisposition syndrome. Also called: TOOTH AGENESIS-COLORECTAL CANCER SYNDROME. Identifiers: Orphanet 300576, MedGen C1837750, MONDO:0012075, OMIM 608615. Disease mechanism: loss of function.

Allele frequency attached by ClinVar (database versions not stated): gnomAD exomes 0.00001.
gnomAD v4.1: 12 of 1,586,448 alleles (0.00076%); highest among the groups gnomAD compares: Non-Finnish European, 0.001%; no homozygotes.

Submissions (3):

Labcorp Genetics (formerly Invitae), Labcorp
Classification: Likely benign for Oligodontia-cancer predisposition syndrome. Last evaluated: 2025-09-27. Review status: criteria provided, single submitter. Criteria: Invitae Variant Classification Sherloc (09022015). Collection method: clinical testing. Allele origin: germline.

Ambry Genetics
Classification: Likely benign for Hereditary cancer-predisposing syndrome. Last evaluated: 2024-07-28. Review status: criteria provided, single submitter. Criteria: Ambry Variant Classification Scheme 2023. Collection method: clinical testing. Allele origin: germline.

Myriad Genetics, Inc.
Classification: Benign for Oligodontia-cancer predisposition syndrome. Last evaluated: 2024-07-02. Review status: criteria provided, single submitter. Criteria: Myriad Autosomal Dominant, Autosomal Recessive and X-Linked Classification Criteria (2023). Collection method: clinical testing. Allele origin: unknown.
Comment: This variant is considered benign. This variant is a silent/synonymous amino acid change and it is not expected to impact splicing.

NM_004655.4(AXIN2):c.1239G>A (p.Ser413=)

Gene: AXIN2 (axin 2; minus strand). Cytogenetic location: 17q24.1.
Variant type: single nucleotide variant.
Coding change: c.1239G>A on transcript NM_004655.4 (MANE Select); coding-DNA position 1239, G replaced by A.
Protein change: p.Ser413=; no amino-acid change (serine 413 retained).
Molecular consequence: synonymous variant.
Genome position (GRCh38, 1-based): chr17:65,537,797, C>T on the plus strand (G>A on the coding strand, the complement: AXIN2 is on the minus strand). VCF-style: chr17-65537797-C-T. GRCh37 (hg19) VCF-style: chr17-63533915-C-T.
Other names: c.1239G>A (NM_004655.3); c.1239G>A, p.Ser413= (NM_001363813.1).
Identifiers: ClinVar variation 1116876 (VCV001116876.11), dbSNP rs1338313550, ClinGen allele CA501691369.